The following is an entry in ClinVar:

ClinVar aggregate classification (germline): Uncertain significance (1 of 4 stars; one submission).

Conditions:
Hereditary cancer-predisposing syndrome. Also called: Tumor predisposition; Hereditary neoplastic syndrome; Neoplastic Syndromes, Hereditary; Hereditary Cancer Syndrome. Identifiers: Orphanet 140162, MedGen C0027672, MeSH D009386, MONDO:0015356.

Submission:

Ambry Genetics
Classification: Uncertain significance for Hereditary cancer-predisposing syndrome. Last evaluated: 2025-05-30. Review status: criteria provided, single submitter. Criteria: Ambry Variant Classification Scheme 2023. Collection method: clinical testing. Allele origin: germline.
Comment: The p.D1547H variant (also known as c.4639G>C), located in coding exon 10 of the BRCA2 gene, results from a G to C substitution at nucleotide position 4639. The aspartic acid at codon 1547 is replaced by histidine, an amino acid with similar properties. This amino acid position is not well conserved in available vertebrate species. In addition, the in silico prediction for this alteration is inconclusive. Based on the available evidence, the clinical significance of this variant remains unclear.

NM_000059.4(BRCA2):c.4639G>C (p.Asp1547His)

Gene: BRCA2 (BRCA2 DNA repair associated; plus strand). Cytogenetic location: 13q13.1.
Variant type: single nucleotide variant.
Coding change: c.4639G>C on transcript NM_000059.4 (MANE Select); coding-DNA position 4639, G replaced by C.
Protein change: p.Asp1547His; replaces aspartic acid 1547 with histidine.
Molecular consequence: missense variant. On other transcripts: non-coding transcript variant (1), intron variant (2).
Genome position (GRCh38, 1-based): chr13:32,338,994, G>C. VCF-style: chr13-32338994-G-C. GRCh37 (hg19) VCF-style: chr13-32913131-G-C.
Other names: c.4639G>C, p.Asp1547His (NM_001406719.1, NM_001406720.1, NM_001432077.1); c.1910-5564G>C (NM_001406721.1); c.425-5564G>C (NM_001406722.1); short protein forms D1547H.
Identifiers: ClinVar variation 3992848 (VCV003992848.1).
Genomic context (GRCh38, chr13:32,338,994, plus strand): 5'-GCTAGCGGGAAAAAAGTTAAAATTGCAAAGGAATCTTTGGACAAAGTGAAAAACCTTTTT[G>C]ATGAAAAAGAGCAAGGTACTAGTGAAATCACCAGTTTTAGCCATCAATGGGCAAAGACCC-3'
Protein context (NP_000050.3, residues 1537-1557): ESLDKVKNLF[Asp1547His]EKEQGTSEIT